The following is an entry in ClinVar:

ClinVar aggregate classification (germline): Uncertain significance. Review status: criteria provided, multiple submitters, no conflicts (2 of 4 stars). 2 submissions from 2 submitters: Uncertain significance (2). Last evaluated 2023-09-12.

Conditions:
Epidermolysis bullosa simplex with nail dystrophy (EBS5D). Identifiers: MedGen C4225309, MONDO:0014661, OMIM 616487.
Epidermolysis bullosa simplex, Ogna type (EBS5A). Also called: EPIDERMOLYSIS BULLOSA SIMPLEX 5A, OGNA TYPE; Pidermolysis bullosa simplex 5A, Ogna type. Identifiers: Orphanet 79401, MedGen C0432317, MONDO:0007555, OMIM 131950.
Epidermolysis bullosa simplex 5C, with pyloric atresia (EBS5C). Also called: PLEC1-Related Epidermolysis Bullosa with Pyloric Atresia; PLEC-Related Epidermolysis Bullosa with Pyloric Atresia; Epidermolysis bullosa simplex with pyloric atresia. Identifiers: Orphanet 158684, MedGen C2677349, MONDO:0012807, OMIM 612138.
Autosomal recessive limb-girdle muscular dystrophy type 2Q (LGMDR17). Also called: MUSCULAR DYSTROPHY, LIMB-GIRDLE, AUTOSOMAL RECESSIVE 17. Identifiers: Orphanet 254361, MedGen C3150989, MONDO:0013390, OMIM 613723.
Epidermolysis bullosa simplex 5B, with muscular dystrophy (EBS5B). Also called: EPIDERMOLYSIS BULLOSA SIMPLEX AND LIMB-GIRDLE MUSCULAR DYSTROPHY; Epidermolysis bullosa simplex with muscular dystrophy. Identifiers: Orphanet 257, MedGen C2931072, MONDO:0009181, OMIM 226670.

Submissions (2):

Revvity Omics, Revvity
Classification: Uncertain significance. Last evaluated: 2023-09-12. Review status: criteria provided, single submitter. Criteria: ACMG Guidelines, 2015. Collection method: clinical testing. Allele origin: germline.

Labcorp Genetics (formerly Invitae), Labcorp
Classification: Uncertain significance for Autosomal recessive limb-girdle muscular dystrophy type 2Q; Epidermolysis bullosa simplex, Ogna type; Epidermolysis bullosa simplex with nail dystrophy; Epidermolysis bullosa simplex 5C, with pyloric atresia; Epidermolysis bullosa simplex 5B, with muscular dystrophy. Last evaluated: 2023-08-08. Review status: criteria provided, single submitter. Criteria: Invitae Variant Classification Sherloc (09022015). Collection method: clinical testing. Allele origin: germline.
Comment: In summary, the available evidence is currently insufficient to determine the role of this variant in disease. Therefore, it has been classified as a Variant of Uncertain Significance. An algorithm developed to predict the effect of missense changes on protein structure and function (PolyPhen-2) suggests that this variant is likely to be disruptive. This variant has not been reported in the literature in individuals affected with PLEC-related conditions. This variant is not present in population databases (gnomAD no frequency). This sequence change replaces proline, which is neutral and non-polar, with serine, which is neutral and polar, at codon 3867 of the PLEC protein (p.Pro3867Ser).

NM_201384.3(PLEC):c.11518C>T (p.Pro3840Ser)

Gene: PLEC (plectin; minus strand). Cytogenetic location: 8q24.3.
Variant type: single nucleotide variant.
Coding change: c.11518C>T on transcript NM_201384.3 (MANE Select); coding-DNA position 11518, C replaced by T.
Protein change: p.Pro3840Ser; replaces proline 3840 with serine.
Molecular consequence: missense variant.
Genome position (GRCh38, 1-based): chr8:143,918,303, G>A on the plus strand (C>T on the coding strand, the complement: PLEC is on the minus strand). VCF-style: chr8-143918303-G-A. GRCh37 (hg19) VCF-style: chr8-144992471-G-A.
Other names: c.11599C>T, p.Pro3867Ser (NM_000445.5); c.8218C>T, p.Pro2740Ser (NM_001410941.1); c.11476C>T, p.Pro3826Ser (NM_201378.4); c.11452C>T, p.Pro3818Ser (NM_201379.3); c.11929C>T, p.Pro3977Ser (NM_201380.4); c.11422C>T, p.Pro3808Ser (NM_201381.3); c.11518C>T, p.Pro3840Ser (NM_201382.4); c.11530C>T, p.Pro3844Ser (NM_201383.3); short protein forms P3826S, P3840S, P3844S, P3867S, P2740S, P3977S, P3808S, P3818S.
Identifiers: ClinVar variation 2924728 (VCV002924728.4), dbSNP rs2539305697, ClinGen allele CA372490170.